The following is an entry in ClinVar:

NM_001035.3(RYR2):c.2547C>A (p.Asp849Glu)

Gene: RYR2 (ryanodine receptor 2; plus strand). Cytogenetic location: 1q43.
Variant type: single nucleotide variant.
Coding change: c.2547C>A on transcript NM_001035.3 (MANE Select); coding-DNA position 2547, C replaced by A.
Protein change: p.Asp849Glu; replaces aspartic acid 849 with glutamic acid.
Molecular consequence: missense variant.
Genome position (GRCh38, 1-based): chr1:237,503,439, C>A. VCF-style: chr1-237503439-C-A. GRCh37 (hg19) VCF-style: chr1-237666739-C-A.
Other names: short protein forms D849E.
Identifiers: ClinVar variation 3315906 (VCV003315906.1).

ClinVar aggregate classification (germline): Uncertain significance (1 of 4 stars; one submission).

Conditions:
Cardiovascular phenotype. Identifiers: MedGen CN230736.

gnomAD v4.1: 1 of 1,613,972 alleles (0.000062%); highest among the groups gnomAD compares: South Asian, 0.0011%; no homozygotes.

Submission:

Ambry Genetics
Classification: Uncertain significance for Cardiovascular phenotype. Last evaluated: 2024-06-20. Review status: criteria provided, single submitter. Criteria: Ambry Variant Classification Scheme 2023. Collection method: clinical testing. Allele origin: germline.
Comment: The p.D849E variant (also known as c.2547C>A), located in coding exon 22 of the RYR2 gene, results from a C to A substitution at nucleotide position 2547. The aspartic acid at codon 849 is replaced by glutamic acid, an amino acid with highly similar properties. This amino acid position is well conserved in available vertebrate species. In addition, this alteration is predicted to be tolerated by in silico analysis. Based on the available evidence, the clinical significance of this variant remains unclear.